The following is an entry in ClinVar:

ClinVar aggregate classification (germline): Uncertain significance (1 of 4 stars; one submission).

Submission:

Labcorp Genetics (formerly Invitae), Labcorp
Classification: Uncertain significance. Last evaluated: 2025-09-07. Review status: criteria provided, single submitter. Criteria: Invitae Variant Classification Sherloc (09022015). Collection method: clinical testing. Allele origin: germline.
Comment: This sequence change replaces aspartic acid, which is acidic and polar, with histidine, which is basic and polar, at codon 1127 of the KMT2E protein (p.Asp1127His). This variant is not present in population databases (gnomAD no frequency). This variant has not been reported in the literature in individuals affected with KMT2E-related conditions. Invitae Evidence Modeling of protein sequence and biophysical properties (such as structural, functional, and spatial information, amino acid conservation, physicochemical variation, residue mobility, and thermodynamic stability) indicates that this missense variant is not expected to disrupt KMT2E protein function with a negative predictive value of 80%. In summary, the available evidence is currently insufficient to determine the role of this variant in disease. Therefore, it has been classified as a Variant of Uncertain Significance.

NM_182931.3(KMT2E):c.3379G>C (p.Asp1127His)

Gene: KMT2E (lysine methyltransferase 2E (inactive); plus strand). Cytogenetic location: 7q22.3.
Variant type: single nucleotide variant.
Coding change: c.3379G>C on transcript NM_182931.3 (MANE Select); coding-DNA position 3379, G replaced by C.
Protein change: p.Asp1127His; replaces aspartic acid 1127 with histidine.
Molecular consequence: missense variant.
Genome position (GRCh38, 1-based): chr7:105,107,836, G>C. VCF-style: chr7-105107836-G-C. GRCh37 (hg19) VCF-style: chr7-104748283-G-C.
Other names: c.3379G>C, p.Asp1127His (NM_001410908.1, NM_018682.4); short protein forms D1127H.
Identifiers: ClinVar variation 4746025 (VCV004746025.1).